The following is an entry in ClinVar:

ClinVar aggregate classification (germline): Uncertain significance (1 of 4 stars; one submission).

Conditions:
Inborn genetic diseases. Identifiers: MedGen C0950123, MeSH D030342.

gnomAD v4.1: 1 of 1,613,714 alleles (0.000062%); highest among the groups gnomAD compares: Non-Finnish European, 0.000085%; no homozygotes.

Submission:

Ambry Genetics
Classification: Uncertain significance for Inborn genetic diseases. Last evaluated: 2025-11-03. Review status: criteria provided, single submitter. Criteria: Ambry Variant Classification Scheme 2023. Collection method: clinical testing. Allele origin: germline.
Comment: The c.1166G>A (p.R389H) alteration is located in exon 6 (coding exon 6) of the SEPT9 gene. This alteration results from a G to A substitution at nucleotide position 1166, causing the arginine (R) at amino acid position 389 to be replaced by a histidine (H). Based on data from gnomAD, the A allele has an overall frequency of <0.001% (1/250052) total alleles studied. The highest observed frequency was 0.001% (1/113042) of European (non-Finnish) alleles. Based on insufficient or conflicting evidence, the clinical significance of this alteration remains unclear.

NM_001113491.2(SEPTIN9):c.1220G>A (p.Arg407His)

Gene: SEPTIN9 (septin 9; plus strand). Cytogenetic location: 17q25.3.
Variant type: single nucleotide variant.
Coding change: c.1220G>A on transcript NM_001113491.2 (MANE Select); coding-DNA position 1220, G replaced by A.
Protein change: p.Arg407His; replaces arginine 407 with histidine.
Molecular consequence: missense variant.
Genome position (GRCh38, 1-based): chr17:77,488,822, G>A. VCF-style: chr17-77488822-G-A. GRCh37 (hg19) VCF-style: chr17-75484904-G-A.
Other names: c.728G>A, p.Arg243His (NM_001113492.2, NM_001113494.1); c.1199G>A, p.Arg400His (NM_001113493.2); c.467G>A, p.Arg156His (NM_001113495.2, NM_001113496.2, NM_001293697.2 and 1 more transcripts); c.1163G>A, p.Arg388His (NM_001293695.2); c.548G>A, p.Arg183His (NM_001293696.2); c.1166G>A, p.Arg389His (NM_006640.5); short protein forms R388H, R389H, R407H, R156H, R183H, R243H, R400H.
Identifiers: ClinVar variation 4630490 (VCV004630490.1).